The following is an entry in ClinVar:

ClinVar aggregate classification (germline): Uncertain significance. Review status: criteria provided, multiple submitters, no conflicts (2 of 4 stars). 5 submissions from 5 submitters: Uncertain significance (4). 1 of the submissions does not count toward it. Last evaluated 2024-07-05.

Conditions:
Familial adenomatous polyposis 1 (FAP1). Also called: POLYPOSIS, ADENOMATOUS INTESTINAL; FAMILIAL ADENOMATOUS POLYPOSIS 1, ATTENUATED. Identifiers: MedGen C2713442, MONDO:0021056, OMIM 175100. Disease mechanism: loss of function.
Hereditary cancer-predisposing syndrome. Also called: Tumor predisposition; Hereditary Cancer Syndrome; Hereditary neoplastic syndrome; Neoplastic Syndromes, Hereditary. Identifiers: Orphanet 140162, MedGen C0027672, MeSH D009386, MONDO:0015356.
Familial colorectal cancer. Identifiers: MedGen CN280943, MONDO:0023113. Disease mechanism: loss of function.

Allele frequency attached by ClinVar (database versions not stated): gnomAD 0.00001.
gnomAD v4.1: 4 of 1,613,880 alleles (0.00025%); highest among the groups gnomAD compares: Non-Finnish European, 0.000085%; no homozygotes.

Submissions (5):

GeneDx
Classification: Uncertain significance. Last evaluated: 2024-07-05. Review status: criteria provided, single submitter. Criteria: GeneDx Variant Classification Process June 2021. Collection method: clinical testing. Allele origin: germline. Affected: yes.
Comment: Not observed at significant frequency in large population cohorts (gnomAD); In silico analysis indicates that this missense variant does not alter protein structure/function; Has not been previously published as pathogenic or benign to our knowledge; This variant is associated with the following publications: (PMID: 18199528)

Labcorp Genetics (formerly Invitae), Labcorp
Classification: Uncertain significance for Familial adenomatous polyposis 1. Last evaluated: 2024-05-02. Review status: criteria provided, single submitter. Criteria: Invitae Variant Classification Sherloc (09022015). Collection method: clinical testing. Allele origin: germline.
Comment: This sequence change replaces proline, which is neutral and non-polar, with serine, which is neutral and polar, at codon 2712 of the APC protein (p.Pro2712Ser). This variant is not present in population databases (gnomAD no frequency). This variant has not been reported in the literature in individuals affected with APC-related conditions. ClinVar contains an entry for this variant (Variation ID: 83251). Advanced modeling of protein sequence and biophysical properties (such as structural, functional, and spatial information, amino acid conservation, physicochemical variation, residue mobility, and thermodynamic stability) performed at Invitae indicates that this missense variant is not expected to disrupt APC protein function with a negative predictive value of 95%. In summary, the available evidence is currently insufficient to determine the role of this variant in disease. Therefore, it has been classified as a Variant of Uncertain Significance.

Ambry Genetics
Classification: Uncertain significance for Hereditary cancer-predisposing syndrome. Last evaluated: 2023-11-17. Review status: criteria provided, single submitter. Criteria: Ambry Variant Classification Scheme 2023. Collection method: clinical testing. Allele origin: germline.
Comment: The p.P2712S variant (also known as c.8134C>T), located in coding exon 15 of the APC gene, results from a C to T substitution at nucleotide position 8134. The proline at codon 2712 is replaced by serine, an amino acid with similar properties. This amino acid position is conserved. In addition, in silico predictors for this gene do not accurately predict pathogenicity. Since supporting evidence is limited at this time, the clinical significance of this alteration remains unclear.

Mendelics
Classification: Uncertain significance for Familial adenomatous polyposis 1. Last evaluated: 2019-05-28. Review status: criteria provided, single submitter. Criteria: Mendelics Assertion Criteria 2017. Collection method: clinical testing. Allele origin: unknown.

Systems Biology Platform Zhejiang California International NanoSystems Institute
Classification: other for Familial colorectal cancer. Review status: no assertion criteria provided. Collection method: not provided. Allele origin: unknown. Not counted in ClinVar's aggregate classification.
ClinVar note: Converted during submission from cancer to other.

NM_000038.6(APC):c.8134C>T (p.Pro2712Ser)

Gene: APC (APC regulator of Wnt signaling pathway; plus strand). Cytogenetic location: 5q22.2.
Variant type: single nucleotide variant.
Coding change: c.8134C>T on transcript NM_000038.6 (MANE Select); coding-DNA position 8134, C replaced by T.
Protein change: p.Pro2712Ser; replaces proline 2712 with serine.
Molecular consequence: missense variant.
Genome position (GRCh38, 1-based): chr5:112,843,728, C>T. VCF-style: chr5-112843728-C-T. GRCh37 (hg19) VCF-style: chr5-112179425-C-T.
Other names: c.8134C>T, p.Pro2712Ser (NM_001127510.3, NM_001354895.2); c.8080C>T, p.Pro2694Ser (NM_001127511.3); c.8188C>T, p.Pro2730Ser (NM_001354896.2); c.8164C>T, p.Pro2722Ser (NM_001354897.2); c.8059C>T, p.Pro2687Ser (NM_001354898.2); c.8050C>T, p.Pro2684Ser (NM_001354899.2); c.8011C>T, p.Pro2671Ser (NM_001354900.2); c.7957C>T, p.Pro2653Ser (NM_001354901.2); and 6 more; short protein forms P2694S, P2712S, P2552S, P2687S, P2722S, P2586S, P2671S, P2730S.
Identifiers: ClinVar variation 83251 (VCV000083251.11), dbSNP rs76933416, ClinGen allele CA014364.